The following is an entry in ClinVar:

ClinVar aggregate classification (germline): Uncertain significance (1 of 4 stars; one submission).

Submission:

Labcorp Genetics (formerly Invitae), Labcorp
Classification: Uncertain significance. Last evaluated: 2023-01-21. Review status: criteria provided, single submitter. Criteria: Invitae Variant Classification Sherloc (09022015). Collection method: clinical testing. Allele origin: germline.
Comment: In summary, the available evidence is currently insufficient to determine the role of this variant in disease. Therefore, it has been classified as a Variant of Uncertain Significance. Algorithms developed to predict the effect of missense changes on protein structure and function are either unavailable or do not agree on the potential impact of this missense change (SIFT: "Deleterious"; PolyPhen-2: "Benign"; Align-GVGD: "Class C0"). This variant has not been reported in the literature in individuals affected with MICAL1-related conditions. This variant is not present in population databases (gnomAD no frequency). This sequence change replaces leucine, which is neutral and non-polar, with serine, which is neutral and polar, at codon 680 of the MICAL1 protein (p.Leu680Ser).

NM_022765.4(MICAL1):c.1982T>C (p.Leu661Ser)

Gene: MICAL1 (microtubule associated monooxygenase, calponin and LIM domain containing 1; minus strand). Cytogenetic location: 6q21.
Variant type: single nucleotide variant.
Coding change: c.1982T>C on transcript NM_022765.4 (MANE Select); coding-DNA position 1982, T replaced by C.
Protein change: p.Leu661Ser; replaces leucine 661 with serine.
Molecular consequence: missense variant.
Genome position (GRCh38, 1-based): chr6:109,447,685, A>G on the plus strand (T>C on the coding strand, the complement: MICAL1 is on the minus strand). VCF-style: chr6-109447685-A-G. GRCh37 (hg19) VCF-style: chr6-109768888-A-G.
Other names: c.1724T>C, p.Leu575Ser (NM_001159291.2); c.2039T>C, p.Leu680Ser (NM_001286613.2); short protein forms L661S, L680S, L575S.
Identifiers: ClinVar variation 2828753 (VCV002828753.3), dbSNP rs2482782985, ClinGen allele CA365226129.